The following is an entry in ClinVar:

ClinVar aggregate classification (germline): Uncertain significance (1 of 4 stars; one submission).

Submission:

Ambry Genetics
Classification: Uncertain significance. Last evaluated: 2025-10-02. Review status: criteria provided, single submitter. Criteria: Ambry Variant Classification Scheme 2023. Collection method: clinical testing. Allele origin: germline.
Comment: The c.1087G>C (p.G363R) alteration is located in exon 7 (coding exon 7) of the CR1 gene. This alteration results from a G to C substitution at nucleotide position 1087, causing the glycine (G) at amino acid position 363 to be replaced by an arginine (R). Based on data from gnomAD, the C allele has an overall frequency of 0.013% (7/53696) total alleles studied. The highest observed frequency was 0.054% (4/7352) of Latino alleles. Based on insufficient or conflicting evidence, the clinical significance of this alteration remains unclear.

NM_000651.6(CR1):c.1087G>C (p.Gly363Arg)

Gene: CR1 (complement C3b/C4b receptor 1 (Knops blood group); plus strand). Cytogenetic location: 1q32.2.
Variant type: single nucleotide variant.
Coding change: c.1087G>C on transcript NM_000651.6 (MANE Select); coding-DNA position 1087, G replaced by C.
Protein change: p.Gly363Arg; replaces glycine 363 with arginine.
Molecular consequence: missense variant.
Genome position (GRCh38, 1-based): chr1:207,527,044, G>C. VCF-style: chr1-207527044-G-C. GRCh37 (hg19) VCF-style: chr1-207700389-G-C.
Other names: short protein forms G363R.
Identifiers: ClinVar variation 4656374 (VCV004656374.1).